The following is an entry in ClinVar:

ClinVar aggregate classification (germline): Uncertain significance. Review status: criteria provided, multiple submitters, no conflicts (2 of 4 stars). 2 submissions from 2 submitters: Uncertain significance (2). Last evaluated 2025-10-17.

Conditions:
Inborn genetic diseases. Identifiers: MedGen C0950123, MeSH D030342.
Tay-Sachs disease (TSD). Also called: HEXA DEFICIENCY; GM2 gangliosidosis, type 1; Hexosaminidase alpha-subunit deficiency (variant B); Sphingolipidosis, Tay-Sachs; Hexosaminidase A Deficiency; HEXA Disorders. Identifiers: Orphanet 845, MedGen C0039373, MONDO:0010100, OMIM 272800.

Allele frequency attached by ClinVar (database versions not stated): gnomAD 0.00001; gnomAD exomes 0.00001; TOPMed 0.00001; ExAC 0.00002; ESP Exome Variant Server 0.00008; 1000 Genomes Project 30x 0.00016; 1000 Genomes Project 0.00020.

Submissions (2):

Ambry Genetics
Classification: Uncertain significance for Inborn genetic diseases. Last evaluated: 2025-10-17. Review status: criteria provided, single submitter. Criteria: Ambry Variant Classification Scheme 2023. Collection method: clinical testing. Allele origin: germline.

Labcorp Genetics (formerly Invitae), Labcorp
Classification: Uncertain significance for Tay-Sachs disease. Last evaluated: 2022-05-31. Review status: criteria provided, single submitter. Criteria: Invitae Variant Classification Sherloc (09022015). Collection method: clinical testing. Allele origin: germline.
Comment: This sequence change replaces alanine, which is neutral and non-polar, with glycine, which is neutral and non-polar, at codon 418 of the HEXA protein (p.Ala418Gly). This variant is present in population databases (rs201471936, gnomAD 0.004%). This variant has not been reported in the literature in individuals affected with HEXA-related conditions. Algorithms developed to predict the effect of missense changes on protein structure and function are either unavailable or do not agree on the potential impact of this missense change (SIFT: "Tolerated"; PolyPhen-2: "Possibly Damaging"; Align-GVGD: "Class C0"). In summary, the available evidence is currently insufficient to determine the role of this variant in disease. Therefore, it has been classified as a Variant of Uncertain Significance.

NM_000520.6(HEXA):c.1253C>G (p.Ala418Gly)

Gene: HEXA (hexosaminidase subunit alpha; minus strand). Cytogenetic location: 15q23.
Variant type: single nucleotide variant.
Coding change: c.1253C>G on transcript NM_000520.6 (MANE Select); coding-DNA position 1253, C replaced by G.
Protein change: p.Ala418Gly; replaces alanine 418 with glycine.
Molecular consequence: missense variant.
Genome position (GRCh38, 1-based): chr15:72,346,604, G>C on the plus strand (C>G on the coding strand, the complement: HEXA is on the minus strand). VCF-style: chr15-72346604-G-C. GRCh37 (hg19) VCF-style: chr15-72638945-G-C.
Other names: c.1253C>G (NM_000520.4); c.1286C>G, p.Ala429Gly (NM_001318825.2); short protein forms A418G, A429G.
Identifiers: ClinVar variation 2045830 (VCV002045830.4), dbSNP rs201471936, ClinGen allele CA7644747.
Genomic context (GRCh38, chr15:72,346,604, plus strand): 5'-TCCACTATGTAGAAATCCTTCCAGTCAGGGCCATAGGATATACGGTTCAGGTACCAGGGG[G>C]CAGAGAGAAGGGCCCGGAAGCCGGCCTTGGTGACCAGTTCCAGCTCCTTCATATAGTTCA-3'
Protein context (NP_000511.2, residues 408-428): TKAGFRALLS[Ala418Gly]PWYLNRISYG